The following is an entry in ClinVar:

NM_006070.6(TFG):c.125G>A (p.Arg42Gln)

Gene: TFG (trafficking from ER to golgi regulator; plus strand). Cytogenetic location: 3q12.2.
Variant type: single nucleotide variant.
Coding change: c.125G>A on transcript NM_006070.6 (MANE Select); coding-DNA position 125, G replaced by A.
Protein change: p.Arg42Gln; replaces arginine 42 with glutamine.
Molecular consequence: missense variant.
Genome position (GRCh38, 1-based): chr3:100,713,810, G>A. VCF-style: chr3-100713810-G-A. GRCh37 (hg19) VCF-style: chr3-100432654-G-A.
Other names: c.125G>A, p.Arg42Gln (NM_001007565.2, NM_001195478.2, NM_001195479.2); short protein forms R42Q.
Identifiers: ClinVar variation 1189956 (VCV001189956.2), dbSNP rs2149057725, ClinGen allele CA353837057.

ClinVar aggregate classification (germline): Uncertain significance (1 of 4 stars; one submission).

Submission:

GeneDx
Classification: Uncertain significance. Last evaluated: 2020-10-30. Review status: criteria provided, single submitter. Criteria: GeneDx Variant Classification Process June 2021. Collection method: clinical testing. Allele origin: germline. Affected: yes.
Comment: Not observed in large population cohorts (Lek et al., 2016); In silico analysis, which includes protein predictors and evolutionary conservation, supports a deleterious effect; Has not been previously published as pathogenic or benign to our knowledge